The following is an entry in ClinVar:

NM_000051.4(ATM):c.3577-14_3577-12del

Gene: ATM (ATM serine/threonine kinase; plus strand). Cytogenetic location: 11q22.3.
Variant type: Deletion.
Coding change: c.3577-14_3577-12del on transcript NM_000051.4 (MANE Select); 14 bases into the intron before coding-DNA position 3577 through 12 bases into the intron before coding-DNA position 3577, 3 bases deleted (TTT; older notation c.3577-14_3577-12delTTT).
Molecular consequence: intron variant.
Genome position (GRCh38, 1-based): chr11:108,282,696-108,282,698, TTT deleted; deleting any 3 consecutive bases within chr11:108,282,694-108,282,698 gives the same sequence; the c. name uses the placement nearest the transcript's 3' end. VCF-style (leftmost placement, unchanged base first): chr11-108282693-CTTT-C. GRCh37 (hg19) VCF-style: chr11-108153420-CTTT-C.
Other names: c.3577-14_3577-12del (NM_001351834.2).
Identifiers: ClinVar variation 1210880 (VCV001210880.6), dbSNP rs730881288, ClinGen allele CA2499220618.

ClinVar aggregate classification (germline): Conflicting classifications of pathogenicity. Review status: criteria provided, conflicting classifications (1 of 4 stars). 3 submissions from 3 submitters: Uncertain significance (1); Likely benign (2). Last evaluated 2025-02-25.

Conditions:
Hereditary cancer-predisposing syndrome. Also called: Hereditary neoplastic syndrome; Neoplastic Syndromes, Hereditary; Tumor predisposition; Hereditary Cancer Syndrome. Identifiers: Orphanet 140162, MedGen C0027672, MeSH D009386, MONDO:0015356.
Ataxia-telangiectasia syndrome (AT). Also called: LOUIS-BAR SYNDROME; Ataxia telangiectasia (A-T); Cerebello-oculocutaneous telangiectasia; Immunodeficiency with ataxia telangiectasia; Ataxia-telangiectasia, complementation group E; Ataxia-telangiectasia, complementation group D. Identifiers: Orphanet 100, MedGen C0004135, MONDO:0008840, OMIM 208900.

Submissions (3):

Color Diagnostics, LLC DBA Color Health
Classification: Likely benign for Hereditary cancer-predisposing syndrome. Last evaluated: 2025-02-25. Review status: criteria provided, single submitter. Criteria: ACMG Guidelines, 2015. Collection method: clinical testing. Allele origin: germline.

Labcorp Genetics (formerly Invitae), Labcorp
Classification: Likely benign for Ataxia-telangiectasia syndrome. Last evaluated: 2024-08-12. Review status: criteria provided, single submitter. Criteria: Invitae Variant Classification Sherloc (09022015). Collection method: clinical testing. Allele origin: germline.

GeneDx
Classification: Uncertain significance. Last evaluated: 2020-12-31. Review status: criteria provided, single submitter. Criteria: GeneDx Variant Classification Process June 2021. Collection method: clinical testing. Allele origin: germline. Affected: yes.
Comment: Not observed in large population cohorts (Lek 2016); Has not been previously published as pathogenic or benign to our knowledge; In-silico analysis, which includes splice predictors and evolutionary conservation, is inconclusive as to whether the variant alters gene splicing. In the absence of RNA/functional studies, the actual effect of this sequence change is unknown.